The following is an entry in ClinVar:

NM_006941.4(SOX10):c.608_611dup (p.Gln204fs)

Genes: POLR2F (RNA polymerase II, I and III subunit F; plus strand), SOX10 (SRY-box transcription factor 10; minus strand). Cytogenetic location: 22q13.1.
Variant type: Duplication.
Coding change: c.608_611dup on transcript NM_006941.4 (MANE Select); coding-DNA positions 608 to 611, 4 bases duplicated (TCCA; older notation c.608_611dupTCCA).
Protein change: p.Gln204fs; shifts the reading frame from glutamine 204.
Molecular consequence: frameshift variant. On other transcripts: intron variant (3).
Genome position (GRCh38, 1-based): chr22:37,977,953-37,977,956, TGGA duplicated on the plus strand (TCCA on the coding strand, the reverse complement: SOX10 is on the minus strand); duplicating any 4 consecutive bases within chr22:37,977,953-37,977,959 gives the same sequence; the c. name uses the placement nearest the transcript's 3' end. VCF-style (leftmost placement, unchanged base first): chr22-37977952-C-CTGGA. GRCh37 (hg19) VCF-style: chr22-38373959-C-CTGGA.
Other names: c.*38+5646_*38+5649dup (NM_001363825.1); c.294-8198_294-8195dup (NM_001301130.2); c.293+10786_293+10789dup (NM_001301131.2); short protein forms Q204fs.
Identifiers: ClinVar variation 3601847 (VCV003601847.1).

ClinVar aggregate classification (germline): Pathogenic (1 of 4 stars; one submission).

Conditions:
Waardenburg syndrome type 4C (WS4C). Also called: WAARDENBURG SYNDROME WITH HIRSCHSPRUNG DISEASE, TYPE 4C. Identifiers: Orphanet 897, MedGen C2750452, MONDO:0013202, OMIM 613266.

Submission:

Institute of Rare Diseases, West China Hospital, Sichuan University
Classification: Pathogenic for Waardenburg syndrome type 4C. Last evaluated: 2025-01-09. Review status: criteria provided, single submitter. Criteria: ClinGen HL ACMG Specifications v1. Collection method: research. Allele origin: germline. Affected: yes.
Comment: PVS1;PM2_Supporting;PP4